The following is an entry in ClinVar:

ClinVar aggregate classification (germline): Uncertain significance (1 of 4 stars; one submission).

Allele frequency attached by ClinVar (database versions not stated): gnomAD exomes below 0.00001; gnomAD 0.00001; TOPMed 0.00001.
gnomAD v4.1: 2 of 1,613,614 alleles (0.00012%); highest among the groups gnomAD compares: African/African-American, 0.0027%; no homozygotes.

Submission:

Labcorp Genetics (formerly Invitae), Labcorp
Classification: Uncertain significance. Last evaluated: 2018-11-17. Review status: criteria provided, single submitter. Criteria: Invitae Variant Classification Sherloc (09022015). Collection method: clinical testing. Allele origin: germline.
Comment: In summary, the available evidence is currently insufficient to determine the role of this variant in disease. Therefore, it has been classified as a Variant of Uncertain Significance. Algorithms developed to predict the effect of missense changes on protein structure and function are either unavailable or do not agree on the potential impact of this missense change (SIFT: "Deleterious"; PolyPhen-2: "Possibly Damaging"; Align-GVGD: "Class C15"). This variant has not been reported in the literature in individuals with SZT2-related disease. This variant is not present in population databases (ExAC no frequency). This sequence change replaces alanine with valine at codon 3023 of the SZT2 protein (p.Ala3023Val). The alanine residue is highly conserved and there is a small physicochemical difference between alanine and valine.

NM_001365999.1(SZT2):c.9239C>T (p.Ala3080Val)

Gene: SZT2 (SZT2 subunit of KICSTOR complex; plus strand). Cytogenetic location: 1p34.2.
Variant type: single nucleotide variant.
Coding change: c.9239C>T on transcript NM_001365999.1 (MANE Select); coding-DNA position 9239, C replaced by T.
Protein change: p.Ala3080Val; replaces alanine 3080 with valine.
Molecular consequence: missense variant.
Genome position (GRCh38, 1-based): chr1:43,447,121, C>T. VCF-style: chr1-43447121-C-T. GRCh37 (hg19) VCF-style: chr1-43912792-C-T.
Other names: c.9068C>T, p.Ala3023Val (NM_015284.4); short protein forms A3023V, A3080V.
Identifiers: ClinVar variation 642289 (VCV000642289.8), dbSNP rs1409225380, ClinGen allele CA340042559.
Genomic context (GRCh38, chr1:43,447,121, plus strand): 5'-GTGCCCATCTGGTGCTGCGGCACGGCTACCACCTCACCACCTTTCTGCGACACTTCCTGG[C>T]CCACCACCCTGACGGACCCCACTTTGGCCGCAATCACATTTACCAAGGTCAGTGCCCAAG-3'
Protein context (NP_001352928.1, residues 3070-3090): HLTTFLRHFL[Ala3080Val]HHPDGPHFGR